The following is an entry in ClinVar:

NM_000390.4(CHM):c.1678A>T (p.Ile560Phe)

Gene: CHM (CHM Rab escort protein; minus strand). Cytogenetic location: Xq21.2.
Variant type: single nucleotide variant.
Coding change: c.1678A>T on transcript NM_000390.4 (MANE Select); coding-DNA position 1678, A replaced by T.
Protein change: p.Ile560Phe; replaces isoleucine 560 with phenylalanine.
Molecular consequence: missense variant.
Genome position (GRCh38, 1-based): chrX:85,873,144, T>A on the plus strand (A>T on the coding strand, the complement: CHM is on the minus strand). VCF-style: chrX-85873144-T-A. GRCh37 (hg19) VCF-style: chrX-85128149-T-A.
Other names: c.1234A>T, p.Ile412Phe (NM_001320959.1, NM_001362517.1, NM_001362518.2 and 1 more transcripts); c.1678A>T (NM_000390.3); short protein forms I560F, I412F.
Identifiers: ClinVar variation 723232 (VCV000723232.12), dbSNP rs759127730, ClinGen allele CA10465329.

ClinVar aggregate classification (germline): Conflicting classifications of pathogenicity. Review status: criteria provided, conflicting classifications (1 of 4 stars). 3 submissions from 3 submitters: Uncertain significance (1); Likely benign (2). Last evaluated 2025-10-05.

Conditions:
Inborn genetic diseases. Identifiers: MedGen C0950123, MeSH D030342.
CHM-related disorder. Also called: CHM-related condition.

Allele frequency attached by ClinVar (database versions not stated): gnomAD 0.00001; gnomAD exomes 0.00002 and 0.00006; TOPMed 0.00003; ExAC 0.00005.
gnomAD v4.1: 22 of 1,204,910 alleles (0.0018%); highest among the groups gnomAD compares: Admixed American, 0.031%; no homozygotes.

Submissions (3):

PreventionGenetics, part of Exact Sciences
Classification: Likely benign for CHM-related condition. Last evaluated: 2025-10-05. Review status: criteria provided, single submitter. Criteria: ACMG Guidelines, 2015. Collection method: clinical testing. Allele origin: germline.
Comment: This variant is classified as likely benign based on ACMG/AMP sequence variant interpretation guidelines (Richards et al. 2015 PMID: 25741868, with internal and published modifications).

Labcorp Genetics (formerly Invitae), Labcorp
Classification: Likely benign. Last evaluated: 2024-02-07. Review status: criteria provided, single submitter. Criteria: Invitae Variant Classification Sherloc (09022015). Collection method: clinical testing. Allele origin: germline.

Ambry Genetics
Classification: Uncertain significance for Inborn genetic diseases. Last evaluated: 2022-12-06. Review status: criteria provided, single submitter. Criteria: Ambry Variant Classification Scheme 2023. Collection method: clinical testing. Allele origin: germline.